The following is an entry in ClinVar:

NM_001379286.1(ZNF423):c.1343G>A (p.Ser448Asn)

Gene: ZNF423 (zinc finger protein 423; minus strand). Cytogenetic location: 16q12.1.
Variant type: single nucleotide variant.
Coding change: c.1343G>A on transcript NM_001379286.1 (MANE Select); coding-DNA position 1343, G replaced by A.
Protein change: p.Ser448Asn; replaces serine 448 with asparagine.
Molecular consequence: missense variant.
Genome position (GRCh38, 1-based): chr16:49,637,833, C>T on the plus strand (G>A on the coding strand, the complement: ZNF423 is on the minus strand). VCF-style: chr16-49637833-C-T. GRCh37 (hg19) VCF-style: chr16-49671744-C-T.
Other names: c.1139G>A, p.Ser380Asn (NM_001271620.2); c.968G>A, p.Ser323Asn (NM_001330533.2); c.1319G>A, p.Ser440Asn (NM_015069.5); short protein forms S448N, S380N, S440N, S323N.
Identifiers: ClinVar variation 2135033 (VCV002135033.4), dbSNP rs2507012050, ClinGen allele CA395849807.

ClinVar aggregate classification (germline): Uncertain significance (1 of 4 stars; one submission).

Conditions:
Nephronophthisis 14 (NPHP14). Identifiers: Orphanet 2318, MedGen C3539071, MONDO:0013916, OMIM 614844.

Submission:

Labcorp Genetics (formerly Invitae), Labcorp
Classification: Uncertain significance for Nephronophthisis 14. Last evaluated: 2024-02-24. Review status: criteria provided, single submitter. Criteria: Invitae Variant Classification Sherloc (09022015). Collection method: clinical testing. Allele origin: germline.
Comment: This sequence change replaces serine, which is neutral and polar, with asparagine, which is neutral and polar, at codon 440 of the ZNF423 protein (p.Ser440Asn). This variant is not present in population databases (gnomAD no frequency). This variant has not been reported in the literature in individuals affected with ZNF423-related conditions. ClinVar contains an entry for this variant (Variation ID: 2135033). Advanced modeling of protein sequence and biophysical properties (such as structural, functional, and spatial information, amino acid conservation, physicochemical variation, residue mobility, and thermodynamic stability) performed at Invitae indicates that this missense variant is not expected to disrupt ZNF423 protein function with a negative predictive value of 80%. In summary, the available evidence is currently insufficient to determine the role of this variant in disease. Therefore, it has been classified as a Variant of Uncertain Significance.